The following is an entry in ClinVar:

ClinVar aggregate classification (germline): Uncertain significance. Review status: criteria provided, multiple submitters, no conflicts (2 of 4 stars). 2 submissions from 2 submitters: Uncertain significance (2). Last evaluated 2024-10-08.

Conditions:
Duchenne muscular dystrophy (DMD). Also called: MUSCULAR DYSTROPHY, PSEUDOHYPERTROPHIC PROGRESSIVE, DUCHENNE TYPE; Duchenne Muscular Dystrophy (DMD). Identifiers: Orphanet 98896, MedGen C0013264, MONDO:0010679, OMIM 310200.
Cardiovascular phenotype. Identifiers: MedGen CN230736.

Submissions (2):

Labcorp Genetics (formerly Invitae), Labcorp
Classification: Uncertain significance for Duchenne muscular dystrophy. Last evaluated: 2024-10-08. Review status: criteria provided, single submitter. Criteria: Invitae Variant Classification Sherloc (09022015). Collection method: clinical testing. Allele origin: germline.
Comment: This sequence change replaces asparagine, which is neutral and polar, with lysine, which is basic and polar, at codon 425 of the DMD protein (p.Asn425Lys). This variant is not present in population databases (gnomAD no frequency). This variant has not been reported in the literature in individuals affected with DMD-related conditions. ClinVar contains an entry for this variant (Variation ID: 1766488). Invitae Evidence Modeling of protein sequence and biophysical properties (such as structural, functional, and spatial information, amino acid conservation, physicochemical variation, residue mobility, and thermodynamic stability) indicates that this missense variant is not expected to disrupt DMD protein function with a negative predictive value of 95%. In summary, the available evidence is currently insufficient to determine the role of this variant in disease. Therefore, it has been classified as a Variant of Uncertain Significance.

Ambry Genetics
Classification: Uncertain significance for Cardiovascular phenotype. Last evaluated: 2021-12-28. Review status: criteria provided, single submitter. Criteria: Ambry Variant Classification Scheme 2023. Collection method: clinical testing. Allele origin: germline.
Comment: The p.N425K variant (also known as c.1275T>A), located in coding exon 11 of the DMD gene, results from a T to A substitution at nucleotide position 1275. The asparagine at codon 425 is replaced by lysine, an amino acid with similar properties. This amino acid position is well conserved in available vertebrate species. In addition, this alteration is predicted to be tolerated by in silico analysis. Since supporting evidence is limited at this time, the clinical significance of this alteration remains unclear.

NM_004006.3(DMD):c.1275T>A (p.Asn425Lys)

Gene: DMD (dystrophin; minus strand). Cytogenetic location: Xp21.1.
Variant type: single nucleotide variant.
Coding change: c.1275T>A on transcript NM_004006.3 (MANE Select); coding-DNA position 1275, T replaced by A.
Protein change: p.Asn425Lys; replaces asparagine 425 with lysine.
Molecular consequence: missense variant.
Genome position (GRCh38, 1-based): chrX:32,644,188, A>T on the plus strand (T>A on the coding strand, the complement: DMD is on the minus strand). VCF-style: chrX-32644188-A-T. GRCh37 (hg19) VCF-style: chrX-32662305-A-T.
Other names: c.1251T>A, p.Asn417Lys (NM_000109.4); c.1263T>A, p.Asn421Lys (NM_004009.3); c.906T>A, p.Asn302Lys (NM_004010.3); short protein forms N302K, N425K, N421K, N417K.
Identifiers: ClinVar variation 1766488 (VCV001766488.4), dbSNP rs2519633018, ClinGen allele CA412660983.